The following is an entry in ClinVar:

ClinVar aggregate classification (germline): Benign. Review status: criteria provided, multiple submitters, no conflicts (2 of 4 stars). 2 submissions from 2 submitters: Benign (2). Last evaluated 2018-06-16.

Allele frequency attached by ClinVar (database versions not stated): gnomAD 0.23209 and 0.24345; 1000 Genomes Project 0.26517; 1000 Genomes Project 30x 0.27430; gnomAD exomes 0.07545; TOPMed 0.25967.

Submissions (2):

GeneDx
Classification: Benign. Last evaluated: 2018-06-16. Review status: criteria provided, single submitter. Criteria: GeneDx Variant Classification (06012015). Collection method: clinical testing. Allele origin: germline. Affected: yes.
Comment: This variant is considered likely benign or benign based on one or more of the following criteria: it is a conservative change, it occurs at a poorly conserved position in the protein, it is predicted to be benign by multiple in silico algorithms, and/or has population frequency not consistent with disease.

Breakthrough Genomics
Classification: Benign. Review status: criteria provided, single submitter. Criteria: ACMG Guidelines, 2015. Collection method: not provided. Allele origin: germline. Inheritance: X-linked inheritance. Affected: yes.

NM_000284.3(PDHA1):c.-195G>A

Gene: PDHA1 (pyruvate dehydrogenase E1 subunit alpha 1; plus strand). Cytogenetic location: Xp22.12.
Variant type: single nucleotide variant.
Coding change: c.-195G>A on transcript NM_000284.3; 195 bases upstream of the start codon, G replaced by A.
Genome position (GRCh38, 1-based): chrX:19,343,843, G>A. VCF-style: chrX-19343843-G-A. GRCh37 (hg19) VCF-style: chrX-19361961-G-A.
Identifiers: ClinVar variation 676247 (VCV000676247.4), dbSNP rs5955750, ClinGen allele CA327020222.